The following is an entry in ClinVar:

NM_032575.3(GLIS2):c.274C>T (p.Pro92Ser)

Gene: GLIS2 (GLIS family zinc finger 2; plus strand). Cytogenetic location: 16p13.3.
Variant type: single nucleotide variant.
Coding change: c.274C>T on transcript NM_032575.3 (MANE Select); coding-DNA position 274, C replaced by T.
Protein change: p.Pro92Ser; replaces proline 92 with serine.
Molecular consequence: missense variant.
Genome position (GRCh38, 1-based): chr16:4,333,448, C>T. VCF-style: chr16-4333448-C-T. GRCh37 (hg19) VCF-style: chr16-4383449-C-T.
Other names: c.274C>T, p.Pro92Ser (NM_001318918.2); short protein forms P92S.
Identifiers: ClinVar variation 1706240 (VCV001706240.2), dbSNP rs982313905, ClinGen allele CA277073966.

ClinVar aggregate classification (germline): Uncertain significance (1 of 4 stars; one submission).

Allele frequency attached by ClinVar (database versions not stated): gnomAD exomes 0.00001; gnomAD 0.00005; TOPMed 0.00008.

Submission:

GeneDx
Classification: Uncertain significance. Last evaluated: 2022-03-15. Review status: criteria provided, single submitter. Criteria: GeneDx Variant Classification Process June 2021. Collection method: clinical testing. Allele origin: germline. Affected: yes.
Comment: In silico analysis supports that this missense variant does not alter protein structure/function; Has not been previously published as pathogenic or benign to our knowledge